The following is an entry in ClinVar:

ClinVar aggregate classification (germline): Uncertain significance (1 of 4 stars; one submission).

Allele frequency attached by ClinVar (database versions not stated): gnomAD exomes below 0.00001.
gnomAD v4.1: 1 of 1,611,996 alleles (0.000062%); highest among the groups gnomAD compares: Non-Finnish European, 0.000085%; no homozygotes.

Submission:

Labcorp Genetics (formerly Invitae), Labcorp
Classification: Uncertain significance. Last evaluated: 2022-06-16. Review status: criteria provided, single submitter. Criteria: Invitae Variant Classification Sherloc (09022015). Collection method: clinical testing. Allele origin: germline.
Comment: This variant has not been reported in the literature in individuals affected with SBF1-related conditions. This variant is not present in population databases (gnomAD no frequency). This sequence change replaces proline, which is neutral and non-polar, with arginine, which is basic and polar, at codon 1101 of the SBF1 protein (p.Pro1101Arg). In summary, the available evidence is currently insufficient to determine the role of this variant in disease. Therefore, it has been classified as a Variant of Uncertain Significance. Algorithms developed to predict the effect of missense changes on protein structure and function (SIFT, PolyPhen-2, Align-GVGD) all suggest that this variant is likely to be tolerated.

NM_002972.4(SBF1):c.3302C>G (p.Pro1101Arg)

Gene: SBF1 (SET binding factor 1; minus strand). Cytogenetic location: 22q13.33.
Variant type: single nucleotide variant.
Coding change: c.3302C>G on transcript NM_002972.4 (MANE Select); coding-DNA position 3302, C replaced by G.
Protein change: p.Pro1101Arg; replaces proline 1101 with arginine.
Molecular consequence: missense variant.
Genome position (GRCh38, 1-based): chr22:50,460,141, G>C on the plus strand (C>G on the coding strand, the complement: SBF1 is on the minus strand). VCF-style: chr22-50460141-G-C. GRCh37 (hg19) VCF-style: chr22-50898570-G-C.
Other names: c.3305C>G, p.Pro1102Arg (NM_001365819.1, NM_001410794.1); c.3302C>G, p.Pro1101Arg (NM_001410795.1, NM_197971.1); short protein forms P1102R, P1101R.
Identifiers: ClinVar variation 1950682 (VCV001950682.5), dbSNP rs1386761298, ClinGen allele CA412205213.